The following is an entry in ClinVar:

ClinVar aggregate classification (germline): Uncertain significance (1 of 4 stars; one submission).

gnomAD v4.1: 1 of 1,598,698 alleles (0.000063%); highest among the groups gnomAD compares: Non-Finnish European, 0.000085%; no homozygotes.

Submission:

Labcorp Genetics (formerly Invitae), Labcorp
Classification: Uncertain significance. Last evaluated: 2025-02-10. Review status: criteria provided, single submitter. Criteria: Invitae Variant Classification Sherloc (09022015). Collection method: clinical testing. Allele origin: germline.
Comment: This sequence change replaces alanine, which is neutral and non-polar, with threonine, which is neutral and polar, at codon 5014 of the PCLO protein (p.Ala5014Thr). This variant is not present in population databases (gnomAD no frequency). This variant has not been reported in the literature in individuals affected with PCLO-related conditions. ClinVar contains an entry for this variant (Variation ID: 1426758). Experimental studies and prediction algorithms are not available or were not evaluated, and the functional significance of this variant is currently unknown. In summary, the available evidence is currently insufficient to determine the role of this variant in disease. Therefore, it has been classified as a Variant of Uncertain Significance.

NM_033026.6(PCLO):c.15040G>A (p.Ala5014Thr)

Gene: PCLO (piccolo presynaptic cytomatrix protein; minus strand). Cytogenetic location: 7q21.11.
Variant type: single nucleotide variant.
Coding change: c.15040G>A on transcript NM_033026.6 (MANE Select); coding-DNA position 15040, G replaced by A.
Protein change: p.Ala5014Thr; replaces alanine 5014 with threonine.
Molecular consequence: missense variant.
Genome position (GRCh38, 1-based): chr7:82,761,461, C>T on the plus strand (G>A on the coding strand, the complement: PCLO is on the minus strand). VCF-style: chr7-82761461-C-T. GRCh37 (hg19) VCF-style: chr7-82390777-C-T.
Other names: short protein forms A5014T.
Identifiers: ClinVar variation 1426758 (VCV001426758.4), dbSNP rs2129467562, ClinGen allele CA368020303.